The following is an entry in ClinVar:

NM_000051.4(ATM):c.4244A>G (p.Tyr1415Cys)

Gene: ATM (ATM serine/threonine kinase; plus strand). Cytogenetic location: 11q22.3.
Variant type: single nucleotide variant.
Coding change: c.4244A>G on transcript NM_000051.4 (MANE Select); coding-DNA position 4244, A replaced by G.
Protein change: p.Tyr1415Cys; replaces tyrosine 1415 with cysteine.
Molecular consequence: missense variant.
Genome position (GRCh38, 1-based): chr11:108,289,609, A>G. VCF-style: chr11-108289609-A-G. GRCh37 (hg19) VCF-style: chr11-108160336-A-G.
Other names: c.4244A>G, p.Tyr1415Cys (NM_001351834.2); short protein forms Y1415C.
Identifiers: ClinVar variation 233639 (VCV000233639.27), dbSNP rs876660540, ClinGen allele CA10579141.

ClinVar aggregate classification (germline): Uncertain significance. Review status: criteria provided, multiple submitters, no conflicts (2 of 4 stars). 7 submissions from 7 submitters: Uncertain significance (6). 1 of the submissions does not count toward it. Last evaluated 2025-06-25.

Conditions:
Hereditary cancer-predisposing syndrome. Also called: Tumor predisposition; Hereditary neoplastic syndrome; Hereditary Cancer Syndrome; Neoplastic Syndromes, Hereditary. Identifiers: Orphanet 140162, MedGen C0027672, MeSH D009386, MONDO:0015356.
Familial cancer of breast. Also called: BREAST CANCER, FAMILIAL; Hereditary breast cancer; hereditary breast carcinoma. Identifiers: Orphanet 227535, MedGen C0346153, MONDO:0016419, OMIM 114480. Disease mechanism: loss of function.
Ataxia-telangiectasia syndrome (AT). Also called: Ataxia telangiectasia (A-T); Ataxia-telangiectasia, complementation group E; ATAXIA-TELANGIECTASIA, COMPLEMENTATION GROUP A; ATAXIA-TELANGIECTASIA, FRESNO VARIANT; Ataxia-telangiectasia; Cerebello-oculocutaneous telangiectasia. Identifiers: Orphanet 100, MedGen C0004135, MONDO:0008840, OMIM 208900.

Allele frequency attached by ClinVar (database versions not stated): gnomAD exomes below 0.00001.

Submissions (7):

Ambry Genetics
Classification: Uncertain significance for Hereditary cancer-predisposing syndrome. Last evaluated: 2025-06-25. Review status: criteria provided, single submitter. Criteria: Ambry Variant Classification Scheme 2023. Collection method: clinical testing. Allele origin: germline.
Comment: The p.Y1415C variant (also known as c.4244A>G), located in coding exon 28 of the ATM gene, results from an A to G substitution at nucleotide position 4244. The tyrosine at codon 1415 is replaced by cysteine, an amino acid with highly dissimilar properties. This amino acid position is not well conserved in available vertebrate species. In addition, the in silico prediction for this alteration is inconclusive. Since supporting evidence is limited at this time, the clinical significance of this alteration remains unclear.

Labcorp Genetics (formerly Invitae), Labcorp
Classification: Uncertain significance for Ataxia-telangiectasia syndrome. Last evaluated: 2025-02-12. Review status: criteria provided, single submitter. Criteria: Invitae Variant Classification Sherloc (09022015). Collection method: clinical testing. Allele origin: germline.
Comment: This sequence change replaces tyrosine, which is neutral and polar, with cysteine, which is neutral and slightly polar, at codon 1415 of the ATM protein (p.Tyr1415Cys). This variant is not present in population databases (gnomAD no frequency). This missense change has been observed in individual(s) with breast cancer (PMID: 30303537). ClinVar contains an entry for this variant (Variation ID: 233639). Invitae Evidence Modeling of protein sequence and biophysical properties (such as structural, functional, and spatial information, amino acid conservation, physicochemical variation, residue mobility, and thermodynamic stability) indicates that this missense variant is not expected to disrupt ATM protein function with a negative predictive value of 95%. In summary, the available evidence is currently insufficient to determine the role of this variant in disease. Therefore, it has been classified as a Variant of Uncertain Significance.

GeneDx
Classification: Uncertain significance. Last evaluated: 2024-12-03. Review status: criteria provided, single submitter. Criteria: GeneDx Variant Classification Process June 2021. Collection method: clinical testing. Allele origin: germline.
Comment: Not observed at significant frequency in large population cohorts (gnomAD); In silico analysis indicates that this missense variant does not alter protein structure/function; Identified in an individual with breast cancer (PMID: 30303537); This variant is associated with the following publications: (PMID: 36243179, 30303537)

Molecular Diagnostics Laboratory, Catalan Institute of Oncology
Classification: Uncertain significance for Hereditary cancer-predisposing syndrome. Last evaluated: 2024-09-26. Review status: criteria provided, single submitter. Criteria: ClinGen ACMG Specifications ATM V1.1.0. Collection method: clinical testing. Allele origin: germline.
Comment: PM2_Supporting c.4244A>G, located in exon 29 of the ATM gene, is predicted to result in the substitution of Tyr by Cys at codon 1415, p.(Tyr1415Cys). It is not present in the population database gnomAD v2.1.1, non cancer dataset (PM2_supporting). The SpliceAI algorithm predicts no significant impact on splicing but the REVEL meta-predictor score (0,45) for this variant is indeterminate regarding the effect that it may have on protein function. To our knowledge, neither relevant clinical data (like carriers with ataxia telangiectasia) nor well-stablished functional studies have been reported for this variant. At present ClinVar does not describe pathogenic missense variants in this codon. In addition, this variant has been reported in the ClinVar database (6x uncertain significance) and in the LOVD database (1x uncertain significance). Based on currently available information, the variant c.4244A>G should be considered an uncertain significance variant.

Baylor Genetics
Classification: Uncertain significance for Familial cancer of breast. Last evaluated: 2023-11-17. Review status: criteria provided, single submitter. Criteria: ACMG Guidelines, 2015. Collection method: clinical testing. Allele origin: unknown.

Color Diagnostics, LLC DBA Color Health
Classification: Uncertain significance for Hereditary cancer-predisposing syndrome. Last evaluated: 2022-09-28. Review status: criteria provided, single submitter. Criteria: ACMG Guidelines, 2015. Collection method: clinical testing. Allele origin: germline.
Comment: This missense variant replaces tyrosine with cysteine at codon 1415 of the ATM protein. Computational prediction suggests that this variant may not impact protein structure and function (internally defined REVEL score threshold <= 0.5, PMID: 27666373). To our knowledge, functional studies have not been reported for this variant. This variant has been reported in an individual affected with familial breast cancer (PMID: 30303537). This variant has not been identified in the general population by the Genome Aggregation Database (gnomAD). The available evidence is insufficient to determine the role of this variant in disease conclusively. Therefore, this variant is classified as a Variant of Uncertain Significance.

Natera, Inc.
Classification: Uncertain significance for Ataxia-telangiectasia. Last evaluated: 2020-02-20. Review status: no assertion criteria provided. Collection method: clinical testing. Allele origin: germline. Not counted in ClinVar's aggregate classification.

Literature cited by the submitters: PubMed 30303537 (cited by Labcorp Genetics (formerly Invitae), Labcorp and Color Diagnostics, LLC DBA Color Health).